The following is an entry in ClinVar:

ClinVar aggregate classification (germline): Uncertain significance. Review status: criteria provided, multiple submitters, no conflicts (2 of 4 stars). 2 submissions from 2 submitters: Uncertain significance (2). Last evaluated 2024-01-04.

Conditions:
Fraser syndrome 1 (FRASRS1). Also called: CRYPTOPHTHALMOS WITH OTHER MALFORMATIONS. Identifiers: Orphanet 2052, MedGen C4551480, MONDO:0054737, OMIM 219000.

gnomAD v4.1: 45 of 1,613,374 alleles (0.0028%); highest among the groups gnomAD compares: East Asian, 0.091%; no homozygotes.

Submissions (2):

Fulgent Genetics
Classification: Uncertain significance for Fraser syndrome 1. Last evaluated: 2024-01-04. Review status: criteria provided, single submitter. Criteria: ACMG Guidelines, 2015. Collection method: clinical testing. Allele origin: germline.

Juno Genomics, Hangzhou Juno Genomics, Inc
Classification: Uncertain significance for Fraser syndrome 1. Review status: criteria provided, single submitter. Criteria: ACMG Guidelines, 2015. Collection method: clinical testing. Allele origin: germline.
Comment: Absent from controls (or at extremely low frequency if recessive) in Genome Aggregation Database.

NM_025074.7(FRAS1):c.5072G>A (p.Gly1691Asp)

Gene: FRAS1 (Fraser extracellular matrix complex subunit 1; plus strand). Cytogenetic location: 4q21.21.
Variant type: single nucleotide variant.
Coding change: c.5072G>A on transcript NM_025074.7 (MANE Select); coding-DNA position 5072, G replaced by A.
Protein change: p.Gly1691Asp; replaces glycine 1691 with aspartic acid.
Molecular consequence: missense variant.
Genome position (GRCh38, 1-based): chr4:78,432,459, G>A. VCF-style: chr4-78432459-G-A. GRCh37 (hg19) VCF-style: chr4-79353613-G-A.
Other names: c.5072G>A, p.Gly1691Asp (NM_001166133.2); short protein forms G1691D.
Identifiers: ClinVar variation 3591013 (VCV003591013.3).